The following is an entry in ClinVar:

ClinVar aggregate classification (germline): Likely benign (1 of 4 stars; one submission).

Allele frequency attached by ClinVar (database versions not stated): 1000 Genomes Project 30x 0.00422; 1000 Genomes Project 0.00439; TOPMed 0.00638.

Submission:

GeneDx
Classification: Likely benign. Last evaluated: 2020-12-01. Review status: criteria provided, single submitter. Criteria: GeneDx Variant Classification Process June 2021. Collection method: clinical testing. Allele origin: germline. Affected: yes.
Comment: See Variant Classification Assertion Criteria.

NC_000020.11:g.54174113G>C

Gene: CYP24A1 (cytochrome P450 family 24 subfamily A member 1; minus strand). Cytogenetic location: 20q13.2.
Variant type: single nucleotide variant.
Genome position: GRCh38 VCF-style: chr20-54174113-G-C. GRCh37 (hg19) VCF-style: chr20-52790652-G-C.
Identifiers: ClinVar variation 1706943 (VCV001706943.3), dbSNP rs113719077, ClinGen allele CA316160090.
Genomic context (GRCh38, chr20:54,174,113, plus strand): 5'-AGAGGAGGGCGGAGTGGCCCCCGGCTGGCCAGACTCCGAGGGACGCGGGACCCAGGGGAG[G>C]GGGGGTGGAAGGAGGATGGAGTCAGCGAGGTGAGCGAGGGCGTCCGGGCCTGGGGTGACC-3'